The following is an entry in ClinVar:

ClinVar aggregate classification (germline): Uncertain significance (1 of 4 stars; one submission).

Submission:

GeneDx
Classification: Uncertain significance. Last evaluated: 2024-12-16. Review status: criteria provided, single submitter. Criteria: GeneDx Variant Classification Process June 2021. Collection method: clinical testing. Allele origin: germline. Affected: yes.
Comment: Not observed at significant frequency in large population cohorts (gnomAD); In silico analysis supports a deleterious effect on protein structure/function; Has not been previously published as pathogenic or benign to our knowledge

NM_015311.3(OBSL1):c.3080_3081delinsCC (p.Leu1027Pro)

Gene: OBSL1 (obscurin like cytoskeletal adaptor 1; minus strand). Cytogenetic location: 2q35.
Variant type: Indel.
Coding change: c.3080_3081delinsCC on transcript NM_015311.3 (MANE Select); coding-DNA positions 3080 to 3081, TG replaced by CC.
Protein change: p.Leu1027Pro; replaces leucine 1027 with proline.
Molecular consequence: missense variant.
Genome position (GRCh38, 1-based): chr2:219,559,370-219,559,371, CA replaced by GG on the plus strand (TG replaced by CC on the coding strand, the reverse complement: OBSL1 is on the minus strand). VCF-style: chr2-219559370-CA-GG. GRCh37 (hg19) VCF-style: chr2-220424092-CA-GG.
Other names: c.3080_3081delinsCC, p.Leu1027Pro (NM_001173431.2); short protein forms L1027P.
Identifiers: ClinVar variation 3903156 (VCV003903156.1).